The following is an entry in ClinVar:

NM_001202.6(BMP4):c.118G>A (p.Gly40Ser)

Gene: BMP4 (bone morphogenetic protein 4; minus strand). Cytogenetic location: 14q22.2.
Variant type: single nucleotide variant.
Coding change: c.118G>A on transcript NM_001202.6 (MANE Select); coding-DNA position 118, G replaced by A.
Protein change: p.Gly40Ser; replaces glycine 40 with serine.
Molecular consequence: missense variant. On other transcripts: 5 prime UTR variant (3).
Genome position (GRCh38, 1-based): chr14:53,952,105, C>T on the plus strand (G>A on the coding strand, the complement: BMP4 is on the minus strand). VCF-style: chr14-53952105-C-T. GRCh37 (hg19) VCF-style: chr14-54418823-C-T.
Other names: c.259G>A, p.Gly87Ser (NM_001347912.1); c.-72G>A (NM_001347913.2, NM_001347915.2, NM_001347917.1); c.118G>A, p.Gly40Ser (NM_001347914.2, NM_001347916.1, NM_130850.5 and 1 more transcripts); c.118G>A (NM_001202.3); short protein forms G87S, G40S.
Identifiers: ClinVar variation 1381981 (VCV001381981.7), dbSNP rs749083527, ClinGen allele CA7191825.
Genomic context (GRCh38, chr14:53,952,105, plus strand): 5'-TCGCCTCGAAGTCCCGCAGGAGCTCATGGCTCTGCCCTGAGCGGCGTCCTCCCGCGTGGC[C>T]CTGAATCTCGGCGACTTTTTTCTTCCCCGTCTCAGGTATCAAACTAGCATGGCTCGCGCC-3'
Protein context (NP_001193.2, residues 30-50): TGKKKVAEIQ[Gly40Ser]HAGGRRSGQS

ClinVar aggregate classification (germline): Conflicting classifications of pathogenicity. Review status: criteria provided, conflicting classifications (1 of 4 stars). 2 submissions from 2 submitters: Uncertain significance (1); Likely benign (1). Last evaluated 2024-02-28.

Conditions:
Inborn genetic diseases. Identifiers: MedGen C0950123, MeSH D030342.
Microphthalmia with brain and digit anomalies (MCOPS6). Also called: Microphthalmia, syndromic 6; MICROPHTHALMIA AND PITUITARY ANOMALIES. Identifiers: Orphanet 139471, MedGen C1864689, MONDO:0011936, OMIM 607932.
Orofacial cleft 11 (OFC11). Also called: CLEFT LIP WITH OR WITHOUT CLEFT PALATE, NONSYNDROMIC, 11; Orofacial cleft 11; ofc11. Identifiers: MedGen C2677434, MONDO:0010906, OMIM 600625.

Allele frequency attached by ClinVar (database versions not stated): TOPMed below 0.00001; gnomAD 0.00001; gnomAD exomes 0.00002 and 0.00004; ExAC 0.00003.
gnomAD v4.1: 32 of 1,613,616 alleles (0.002%); highest among the groups gnomAD compares: South Asian, 0.034%; no homozygotes.

Submissions (2):

Ambry Genetics
Classification: Likely benign for Inborn genetic diseases. Last evaluated: 2024-02-28. Review status: criteria provided, single submitter. Criteria: Ambry Variant Classification Scheme 2023. Collection method: clinical testing. Allele origin: germline.

Labcorp Genetics (formerly Invitae), Labcorp
Classification: Uncertain significance for Microphthalmia with brain and digit anomalies; Orofacial cleft 11. Last evaluated: 2021-10-21. Review status: criteria provided, single submitter. Criteria: Invitae Variant Classification Sherloc (09022015). Collection method: clinical testing. Allele origin: germline.
Comment: This sequence change replaces glycine with serine at codon 40 of the BMP4 protein (p.Gly40Ser). The glycine residue is highly conserved and there is a small physicochemical difference between glycine and serine. This variant is present in population databases (rs749083527, ExAC 0.02%). This variant has not been reported in the literature in individuals affected with BMP4-related conditions. Algorithms developed to predict the effect of missense changes on protein structure and function output the following: SIFT: "Deleterious"; PolyPhen-2: "Benign"; Align-GVGD: "Class C0". The serine amino acid residue is found in multiple mammalian species, which suggests that this missense change does not adversely affect protein function. In summary, the available evidence is currently insufficient to determine the role of this variant in disease. Therefore, it has been classified as a Variant of Uncertain Significance.